The following is an entry in ClinVar:

NM_018136.5(ASPM):c.7189G>T (p.Gly2397Cys)

Gene: ASPM (assembly factor for spindle microtubules; minus strand). Cytogenetic location: 1q31.3.
Variant type: single nucleotide variant.
Coding change: c.7189G>T on transcript NM_018136.5 (MANE Select); coding-DNA position 7189, G replaced by T.
Protein change: p.Gly2397Cys; replaces glycine 2397 with cysteine.
Molecular consequence: missense variant. On other transcripts: intron variant (1).
Genome position (GRCh38, 1-based): chr1:197,102,062, C>A on the plus strand (G>T on the coding strand, the complement: ASPM is on the minus strand). VCF-style: chr1-197102062-C-A. GRCh37 (hg19) VCF-style: chr1-197071192-C-A.
Other names: c.4066-5898G>T (NM_001206846.2); short protein forms G2397C.
Identifiers: ClinVar variation 4845484 (VCV004845484.1).
Genomic context (GRCh38, chr1:197,102,062, plus strand): 5'-TACTCTGAATAAGGGTTGCAGAGGAATGCATACTCTTCAAATGTCTTCTAGTTTTCATAC[C>A]CCTGAATGCAGCCTGAAGGATCACAGCAGAGTGTCTTTGTCTGAGATAATGCTGCCTCTG-3'
Protein context (NP_060606.3, residues 2387-2407): SAVILQAAFR[Gly2397Cys]MKTRRHLKSM

ClinVar aggregate classification (germline): Uncertain significance (1 of 4 stars; one submission).

gnomAD v4.1: 4 of 1,612,858 alleles (0.00025%); highest among the groups gnomAD compares: South Asian, 0.0044%; no homozygotes.

Submission:

Greenwood Genetic Center Diagnostic Laboratories, Greenwood Genetic Center
Classification: Uncertain significance. Last evaluated: 2025-11-24. Review status: criteria provided, single submitter. Criteria: ACMG Guidelines, 2015. Collection method: clinical testing. Allele origin: germline. Affected: yes.
Comment: PM2